The following is an entry in ClinVar:

NM_001080.3(ALDH5A1):c.620C>T (p.Pro207Leu)

Gene: ALDH5A1 (aldehyde dehydrogenase 5 family member A1; plus strand). Cytogenetic location: 6p22.3.
Variant type: single nucleotide variant.
Coding change: c.620C>T on transcript NM_001080.3 (MANE Select); coding-DNA position 620, C replaced by T.
Protein change: p.Pro207Leu; replaces proline 207 with leucine.
Molecular consequence: missense variant.
Genome position (GRCh38, 1-based): chr6:24,504,879, C>T. VCF-style: chr6-24504879-C-T. GRCh37 (hg19) VCF-style: chr6-24505107-C-T.
Other names: c.620C>T, p.Pro207Leu (NM_001368954.1, NM_170740.1); short protein forms P207L.
Identifiers: ClinVar variation 1878458 (VCV001878458.3), dbSNP rs2532835598, ClinGen allele CA362970001.

ClinVar aggregate classification (germline): Likely pathogenic (1 of 4 stars; one submission).

Conditions:
Succinate-semialdehyde dehydrogenase deficiency (SSADHD). Also called: Succinic Semialdehyde Dehydrogenase Deficiency; SSADH DEFICIENCY; 4-HYDROXYBUTYRIC ACIDURIA; GABA METABOLIC DEFECT. Identifiers: Orphanet 22, MedGen C0268631, MONDO:0010083, OMIM 271980.

Submission:

Elsea Laboratory, Baylor College of Medicine
Classification: Likely pathogenic for Succinate-semialdehyde dehydrogenase deficiency. Last evaluated: 2021-03-08. Review status: criteria provided, single submitter. Criteria: Martin et al. (J Child Neurol. 2021). Collection method: curation. Allele origin: germline. Affected: yes.
Comment: NAD binding domain

Literature cited by the submitters: PubMed 33203024.